The following is an entry in ClinVar:

NM_018668.5(VPS33B):c.1775-130dup

Gene: VPS33B (VPS33B late endosome and lysosome associated; minus strand). Cytogenetic location: 15q26.1.
Variant type: Duplication.
Coding change: c.1775-130dup on transcript NM_018668.5 (MANE Select); 130 bases into the intron before coding-DNA position 1775, one base duplicated (G; older notation c.1775-130dupG).
Molecular consequence: intron variant.
Genome position (GRCh38, 1-based): chr15:90,999,184, C duplicated on the plus strand (G on the coding strand, the reverse complement: VPS33B is on the minus strand); the first of 2 consecutive C bases (chr15:90,999,184-90,999,185); duplicating either gives the same sequence. VCF-style (leftmost placement, unchanged base first): chr15-90999183-G-GC. GRCh37 (hg19) VCF-style: chr15-91542413-G-GC.
Other names: c.1694-130dup (NM_001289148.1); c.1502-130dup (NM_001289149.1).
Identifiers: ClinVar variation 1706786 (VCV001706786.2), dbSNP rs376088912, ClinGen allele CA274808716.
Genomic context (GRCh38, chr15:90,999,183, plus strand): 5'-CTCTCCAGTTCCACAGTCCCCACGGGATCACAGCACCAGTTTATAGACAGAGACGTGAGT[G>GC]CCATGCTCTTGGGCACCACTGCTTTCTATGACTGGTATAACTGGGCTCCCTGCTGTGGCA-3'

ClinVar aggregate classification (germline): Likely benign (1 of 4 stars; one submission).

Submission:

GeneDx
Classification: Likely benign. Last evaluated: 2021-01-13. Review status: criteria provided, single submitter. Criteria: GeneDx Variant Classification Process June 2021. Collection method: clinical testing. Allele origin: germline. Affected: yes.
Comment: See Variant Classification Assertion Criteria.